The following is an entry in ClinVar:

NM_002968.3(SALL1):c.3008G>T (p.Cys1003Phe)

Gene: SALL1 (spalt like transcription factor 1; minus strand). Cytogenetic location: 16q12.1.
Variant type: single nucleotide variant.
Coding change: c.3008G>T on transcript NM_002968.3 (MANE Select); coding-DNA position 3008, G replaced by T.
Protein change: p.Cys1003Phe; replaces cysteine 1003 with phenylalanine.
Molecular consequence: missense variant.
Genome position (GRCh38, 1-based): chr16:51,139,214, C>A on the plus strand (G>T on the coding strand, the complement: SALL1 is on the minus strand). VCF-style: chr16-51139214-C-A. GRCh37 (hg19) VCF-style: chr16-51173125-C-A.
Other names: c.2717G>T, p.Cys906Phe (NM_001127892.2); short protein forms C1003F, C906F.
Identifiers: ClinVar variation 3381894 (VCV003381894.2).

ClinVar aggregate classification (germline): Uncertain significance (1 of 4 stars; one submission).

Conditions:
Townes-Brocks syndrome 1 (TBS1). Also called: DEAFNESS, SENSORINEURAL, WITH IMPERFORATE ANUS AND THUMB ANOMALIES; REAR SYNDROME; RENAL-EAR-ANAL-RADIAL SYNDROME; SALL1-Related Townes-Brocks Syndrome. Identifiers: Orphanet 857, MedGen C4551481, MONDO:0054581, OMIM 107480.

Submission:

Juno Genomics, Hangzhou Juno Genomics, Inc
Classification: Uncertain significance for Townes-Brocks syndrome 1. Review status: criteria provided, single submitter. Criteria: ACMG Guidelines, 2015. Collection method: clinical testing. Allele origin: germline. Affected: yes.
Comment: Absent from controls (or at extremely low frequency if recessive) in Genome Aggregation Database, Exome Sequencing Project, 1000 Genomes Project, or Exome Aggregation Consortium.;Multiple lines of computational evidence support a deleterious effect on the gene or gene product (conservation, evolutionary, splicing impact, etc).